The following is an entry in ClinVar:

ClinVar aggregate classification (germline): Conflicting classifications of pathogenicity. Review status: criteria provided, conflicting classifications (1 of 4 stars). 3 submissions from 3 submitters: Uncertain significance (2); Likely benign (1). Last evaluated 2025-12-29.

Conditions:
Hereditary cancer-predisposing syndrome. Also called: Neoplastic Syndromes, Hereditary; Hereditary Cancer Syndrome; Hereditary neoplastic syndrome; Tumor predisposition. Identifiers: Orphanet 140162, MedGen C0027672, MeSH D009386, MONDO:0015356.
Ataxia-telangiectasia syndrome (AT). Also called: Cerebello-oculocutaneous telangiectasia; Immunodeficiency with ataxia telangiectasia; Ataxia-telangiectasia, complementation group D; AT, COMPLEMENTATION GROUP C; ATAXIA-TELANGIECTASIA, FRESNO VARIANT; ATAXIA-TELANGIECTASIA, COMPLEMENTATION GROUP A. Identifiers: Orphanet 100, MedGen C0004135, MONDO:0008840, OMIM 208900.

gnomAD v4.1: 2 of 1,614,172 alleles (0.00012%); highest among the groups gnomAD compares: Non-Finnish European, 0.00017%; no homozygotes.

Submissions (3):

Labcorp Genetics (formerly Invitae), Labcorp
Classification: Uncertain significance for Ataxia-telangiectasia syndrome. Last evaluated: 2025-12-29. Review status: criteria provided, single submitter. Criteria: Invitae Variant Classification Sherloc (09022015). Collection method: clinical testing. Allele origin: germline.
Comment: This sequence change replaces aspartic acid, which is acidic and polar, with glycine, which is neutral and non-polar, at codon 841 of the ATM protein (p.Asp841Gly). This variant is not present in population databases (gnomAD no frequency). This variant has not been reported in the literature in individuals affected with ATM-related conditions. ClinVar contains an entry for this variant (Variation ID: 141518). Invitae Evidence Modeling of protein sequence and biophysical properties (such as structural, functional, and spatial information, amino acid conservation, physicochemical variation, residue mobility, and thermodynamic stability) indicates that this missense variant is not expected to disrupt ATM protein function with a negative predictive value of 95%. In summary, the available evidence is currently insufficient to determine the role of this variant in disease. Therefore, it has been classified as a Variant of Uncertain Significance.

Ambry Genetics
Classification: Likely benign for Hereditary cancer-predisposing syndrome. Last evaluated: 2024-06-13. Review status: criteria provided, single submitter. Criteria: Ambry Variant Classification Scheme 2023. Collection method: clinical testing. Allele origin: germline.

Color Diagnostics, LLC DBA Color Health
Classification: Uncertain significance for Hereditary cancer-predisposing syndrome. Last evaluated: 2020-11-10. Review status: criteria provided, single submitter. Criteria: ACMG Guidelines, 2015. Collection method: clinical testing. Allele origin: germline.
Comment: This missense variant replaces aspartic acid with glycine at codon 841 of the ATM protein. Computational prediction suggests that this variant may not impact protein structure and function (internally defined REVEL score threshold <= 0.5, PMID: 27666373). To our knowledge, functional studies have not been reported for this variant. This variant has not been reported in individuals affected with hereditary cancer in the literature. This variant has not been identified in the general population by the Genome Aggregation Database (gnomAD). The available evidence is insufficient to determine the role of this variant in disease conclusively. Therefore, this variant is classified as a Variant of Uncertain Significance.

NM_000051.4(ATM):c.2522A>G (p.Asp841Gly)

Gene: ATM (ATM serine/threonine kinase; plus strand). Cytogenetic location: 11q22.3.
Variant type: single nucleotide variant.
Coding change: c.2522A>G on transcript NM_000051.4 (MANE Select); coding-DNA position 2522, A replaced by G.
Protein change: p.Asp841Gly; replaces aspartic acid 841 with glycine.
Molecular consequence: missense variant.
Genome position (GRCh38, 1-based): chr11:108,267,226, A>G. VCF-style: chr11-108267226-A-G. GRCh37 (hg19) VCF-style: chr11-108137953-A-G.
Other names: c.2522A>G, p.Asp841Gly (NM_001351834.2); short protein forms D841G.
Identifiers: ClinVar variation 141518 (VCV000141518.18), dbSNP rs587781812, ClinGen allele CA165667.